The following is an entry in ClinVar:

NM_000256.3(MYBPC3):c.3065G>C (p.Arg1022Pro)

Gene: MYBPC3 (myosin binding protein C3; minus strand). Cytogenetic location: 11p11.2.
Variant type: single nucleotide variant.
Coding change: c.3065G>C on transcript NM_000256.3 (MANE Select); coding-DNA position 3065, G replaced by C.
Protein change: p.Arg1022Pro; replaces arginine 1022 with proline.
Molecular consequence: missense variant.
Genome position (GRCh38, 1-based): chr11:47,333,682, C>G on the plus strand (G>C on the coding strand, the complement: MYBPC3 is on the minus strand). VCF-style: chr11-47333682-C-G. GRCh37 (hg19) VCF-style: chr11-47355233-C-G.
Other names: c.3065G>C (LRG_386t1); short protein forms R1022P.
Identifiers: ClinVar variation 42682 (VCV000042682.47), dbSNP rs397516000, ClinGen allele CA013405.

ClinVar aggregate classification (germline): Conflicting classifications of pathogenicity. Review status: criteria provided, conflicting classifications (1 of 4 stars). 19 submissions from 19 submitters: Pathogenic (3); Likely pathogenic (11); Uncertain significance (4). 1 of the submissions does not count toward it. Last evaluated 2026-07-21.

Conditions:
Cardiovascular phenotype. Identifiers: MedGen CN230736.
MYBPC3-related disorder. Also called: MYBPC3-related condition; MYBPC3-related disease; MYBPC3-related disorders.
Left ventricular noncompaction 10 (LVNC10). Identifiers: Orphanet 154, Orphanet 54260, MedGen C3715165, MONDO:0014163, OMIM 615396.
Hypertrophic cardiomyopathy 4. Also called: Familial hypertrophic cardiomyopathy 4. Identifiers: MedGen C1861862, MONDO:0007268, OMIM 115197.
Cardiomyopathy (CMYO). Also called: Cardiomyopathies. Identifiers: Orphanet 167848, MedGen C0878544, MONDO:0004994, HP:0001638. Inheritance: Various modes of inheritance.
Hypertrophic cardiomyopathy. Also called: HYPERTROPHIC MYOCARDIOPATHY. Identifiers: Orphanet 217569, MedGen C0007194, MeSH D002312, MONDO:0005045, HP:0001639.

Allele frequency attached by ClinVar (database versions not stated): TOPMed 0.00002; ExAC 0.00003; 1000 Genomes Project 0.00020; gnomAD 0.00004; 1000 Genomes Project 30x 0.00016.
gnomAD v4.1: 84 of 1,611,220 alleles (0.0052%); highest among the groups gnomAD compares: Non-Finnish European, 0.0066%; no homozygotes.

Submissions 1 to 6 of 19:

Victorian Clinical Genetics Services, Murdoch Childrens Research Institute
Classification: Likely pathogenic for Hypertrophic cardiomyopathy 4. Last evaluated: 2026-07-21. Review status: criteria provided, single submitter. Criteria: ACMG Guidelines, 2015. Collection method: clinical testing. Allele origin: germline. Affected: yes.
Comment: This variant is classified as Likely pathogenic. Evidence in support of pathogenic classification: This variant is present in gnomAD <0.01 (v4: 84 heterozygote(s), 0 homozygote(s)); This variant has strong previous evidence of pathogenicity in unrelated individuals. This variant has been classified as likely pathogenic or pathogenic by multiple clinical laboratories, and has been reported in the literature in multiple individuals with hypertrophic cardiomyopathy (HCM; ClinVar, PMID: 20433692, PMID: 30847666, PMID: 33954932, PMID: 27532257). It has also been classified as a VUS (ClinVar, PMID: 39554508); Missense variant predicted to be damaging by in silico tool(s) and/or highly conserved with a major amino acid change. Additional information: This variant is predicted to result in a missense amino acid change from Arg to Pro; This variant is heterozygous; This gene is associated with both recessive and dominant disease. Dominant inheritance is frequently reported in adult onset conditions and recessive inheritance results in a more severe early onset phenotype (OMIM). Association to recessive disease is currently rated as limited by ClinGen; Alternative amino acid change(s) at the same position are present in gnomAD (highest allele count: v4: 25 heterozygotes, 0 homozygote(s)); Segregation evidence for this variant is inconclusive. This variant has been identified in four family members with HCM; however, this variant was not identified in other family members who were possibly affected (PMID: 20433692); Other missense variants comparable to the one identified in this case have conflicting previous evidence for pathogenicity. p.(Arg1022Cys) has been classified as pathogenic, likely pathogenic and VUS by multiple clinical laboratories, while p.(Arg1022His) and p.(Arg1022Ser) have been classified as VUS by multiple clinical laboratories. These variants have also been reported in the literature in multiple individuals with HCM (PMID: 24111713, PMID: 28408708, PMID: 28356264 PMID: 36788754) - Variant is located in the annotated immunoglobulin I-set domain (DECIPHER); Loss of function is a known mechanism of disease in this gene and is associated with hypertrophic cardiomyopathy 4 (MIM#115197); Variants in this gene are known to have variable expressivity (PMID: 32841044); Inheritance information for this variant is not currently available in this individual.

Labcorp Genetics (formerly Invitae), Labcorp
Classification: Pathogenic for Hypertrophic cardiomyopathy. Last evaluated: 2026-01-15. Review status: criteria provided, single submitter. Criteria: Invitae Variant Classification Sherloc (09022015). Collection method: clinical testing. Allele origin: germline.
Comment: This sequence change replaces arginine, which is basic and polar, with proline, which is neutral and non-polar, at codon 1022 of the MYBPC3 protein (p.Arg1022Pro). This variant is present in population databases (rs397516000, gnomAD 0.005%). This missense change has been observed in individuals with hypertrophic or dilated cardiomyopathy (PMID: 20433692, 22857948, 23396983, 24093860, 28771489, 30847666). ClinVar contains an entry for this variant (Variation ID: 42682). An algorithm developed to predict the effect of missense changes on protein structure and function (PolyPhen-2) suggests that this variant is likely to be disruptive. This variant disrupts the p.Arg1022 amino acid residue in MYBPC3. Other variant(s) that disrupt this residue have been observed in individuals with MYBPC3-related conditions (PMID: 22765922, 28790153), which suggests that this may be a clinically significant amino acid residue. For these reasons, this variant has been classified as Pathogenic.

Ambry Genetics
Classification: Likely pathogenic for Cardiovascular phenotype. Last evaluated: 2025-12-11. Review status: criteria provided, single submitter. Criteria: Ambry Variant Classification Scheme 2023. Collection method: clinical testing. Allele origin: germline.
Comment: The p.R1022P variant (also known as c.3065G>C), located in coding exon 29 of the MYBPC3 gene, results from a G to C substitution at nucleotide position 3065. The arginine at codon 1022 is replaced by proline, an amino acid with dissimilar properties. This variant was reported in multiple individuals with features consistent with hypertrophic cardiomyopathy (HCM) (Brito D et al. Rev Port Cardiol, 2005 Sep;24:1137-46; Lopes LR et al. J Med Genet, 2013 Apr;50:228-39; Millat G et al. Eur J Med Genet, 2010 Jul;53:261-7; Rodr&iacute;guez-Garc&iacute;a MI et al. BMC Med Genet, 2010 Apr;11:67; Marsiglia JD et al. Am Heart J, 2013 Oct;166:775-82; Cecconi M et al. Int J Mol Med, 2016 Oct;38:1111-24; Mademont-Soler I et al. PLoS One, 2017 Aug;12:e0181465; Walsh R et al. Genet Med, 2017 Feb;19:192-203; Sheikh N et al. Circulation, 2018 09;138:1184-1194; van Lint FHM et al. Neth Heart J, 2019 Jun;27:304-309). This amino acid position is highly conserved in available vertebrate species. In addition, this alteration is predicted to be deleterious by in silico analysis. Based on the majority of available evidence to date, this variant is likely to be pathogenic.

Dasa
Classification: Likely pathogenic. Last evaluated: 2025-11-22. Review status: criteria provided, single submitter. Criteria: DASA Assertion Criteria. Collection method: clinical testing. Allele origin: germline.
Comment: NM_000256.3(MYBPC3):c.3065G>C (p.Arg1022Pro) is a missense variant that results in the substitution of arginine with proline. The affected residue or protein region has prior evidence supporting clinical relevance. This variant has been reported in individuals with MYBPC3-related disorders (PMID: 20433692). Segregation data support an association with disease in the reported family/families (PMID: 20433692). Also, this variant is rare in population databases. Computational evidence supports a deleterious effect. Based on the currently available evidence, this variant is classified as likely pathogenic.

Color Diagnostics, LLC DBA Color Health
Classification: Likely pathogenic for Cardiomyopathy. Last evaluated: 2025-09-08. Review status: criteria provided, single submitter. Criteria: ACMG Guidelines, 2015. Collection method: clinical testing. Allele origin: germline.
Comment: This missense variant replaces arginine with proline at codon 1022 in the Ig-like domain C8 of the MYBPC3 protein. Computational prediction suggests that this variant may have a deleterious impact on protein structure and function. To our knowledge, functional studies have not been reported for this variant. This variant has been reported in more than 20 individuals affected with hypertrophic cardiomyopathy (PMID: 20433692, 20624503, 20800588, 22857948, 23396983, 23782526, 24093860, 27532257, 28771489, 30847666, 35208637, 35626289, 39554508). Some of these individuals also carried pathogenic variants in the same gene or in the MYH7 gene (PMID: 20624503, 23782526). This variant has been identified in 84/1611220 chromosomes in the general population by the Genome Aggregation Database (gnomAD v4). In a study of individuals reported in the Sarcomeric Human Cardiomyopathy Registry (SHaRe), this variant showed a moderate but significant association with hypertrophic cardiomyopathy compared with gnomAD v4.0 (PMID: 39633578). A different variant affecting the same codon, p.Arg1022Cys, is considered to be disease-causing (ClinVar variation ID: 42680), indicating functional and clinical importance of this position. Based on the available evidence, this variant is classified as Likely Pathogenic.

Women's Health and Genetics/Laboratory Corporation of America, LabCorp
Classification: Pathogenic for Cardiomyopathy. Last evaluated: 2025-07-24. Review status: criteria provided, single submitter. Criteria: LabCorp Variant Classification Summary - May 2015. Collection method: clinical testing. Allele origin: germline.
Comment: Variant summary: MYBPC3 c.3065G>C (p.Arg1022Pro) results in a non-conservative amino acid change in the encoded protein sequence. Algorithms developed to predict the effect of missense changes on protein structure and function all suggest that this variant is likely to be disruptive. The variant allele was found at a frequency of 2.4e-05 in 246674 control chromosomes (gnomAD). c.3065G>C has been observed in multiple individuals affected with Cardiomyopathy (e.g., Rodriguez-Garcia_2010). These data indicate that the variant is very likely to be associated with disease. To our knowledge, no experimental evidence demonstrating an impact on protein function has been reported. The following publication has been ascertained in the context of this evaluation (PMID: 20433692). ClinVar contains an entry for this variant (Variation ID: 42682). Based on the evidence outlined above, the variant was classified as pathogenic.